The following is an entry in ClinVar:

ClinVar aggregate classification (germline): not provided (0 of 4 stars; one submission).

Conditions:
Sarcoma. Identifiers: MedGen C1261473, MONDO:0005089, HP:0100242.

Submission:

Laboratory of Translational Genomics,  National Cancer Institute
No classification provided. Review status: no classification provided. Collection method: not provided. Allele origin: somatic.
Comment: Pediatric sarcoma specimen

NM_000142.5(FGFR3):c.1908C>G (p.Phe636Leu)

Gene: FGFR3 (fibroblast growth factor receptor 3; plus strand). Cytogenetic location: 4p16.3.
Variant type: single nucleotide variant.
Coding change: c.1908C>G on transcript NM_000142.5 (MANE Select); coding-DNA position 1908, C replaced by G.
Protein change: p.Phe636Leu; replaces phenylalanine 636 with leucine.
Molecular consequence: missense variant. On other transcripts: non-coding transcript variant (1).
Genome position (GRCh38, 1-based): chr4:1,806,122, C>G. VCF-style: chr4-1806122-C-G. GRCh37 (hg19) VCF-style: chr4-1807849-C-G.
Other names: c.1914C>G, p.Phe638Leu (NM_001163213.2); c.1911C>G, p.Phe637Leu (NM_001354809.2, NM_001354810.2); c.1572C>G, p.Phe524Leu (NM_022965.4); short protein forms F636L, F638L, F637L, F524L.
Identifiers: ClinVar variation 132958 (VCV000132958.1), dbSNP rs104886005, ClinGen allele CA156287.